The following is an entry in ClinVar:

NC_000009.11:g.(?_139089161)_(139096868_?)del

Gene: LHX3 (LIM homeobox 3; minus strand). Cytogenetic location: 9q34.3.
Variant type: Deletion.
Identifiers: ClinVar variation 2425955 (VCV002425955.3).

ClinVar aggregate classification (germline): Pathogenic (1 of 4 stars; one submission).

Submission:

Labcorp Genetics (formerly Invitae), Labcorp
Classification: Pathogenic. Last evaluated: 2022-09-28. Review status: criteria provided, single submitter. Criteria: Invitae Variant Classification Sherloc (09022015). Collection method: clinical testing. Allele origin: germline.
Comment: A gross deletion of the genomic region encompassing the full coding sequence of the LHX3 gene has been identified. Loss-of-function variants in LHX3 are known to be pathogenic (PMID: 16394081, 18407919). The boundaries of this event are unknown as they extend beyond the assayed region for this gene and therefore may encompass additional genes. Isolated whole-gene deletions of LHX3 have not been reported in the literature. However, larger copy number events that include this gene have been reported (PMID: 17327381). For these reasons, this variant has been classified as Pathogenic.

Literature cited by the submitters: PubMed 16394081; PubMed 18407919; PubMed 17327381.